The following is an entry in ClinVar:

NM_000528.4(MAN2B1):c.2674C>A (p.Leu892Met)

Gene: MAN2B1 (mannosidase alpha class 2B member 1; minus strand). Cytogenetic location: 19p13.13.
Variant type: single nucleotide variant.
Coding change: c.2674C>A on transcript NM_000528.4 (MANE Select); coding-DNA position 2674, C replaced by A.
Protein change: p.Leu892Met; replaces leucine 892 with methionine.
Molecular consequence: missense variant.
Genome position (GRCh38, 1-based): chr19:12,647,589, G>T on the plus strand (C>A on the coding strand, the complement: MAN2B1 is on the minus strand). VCF-style: chr19-12647589-G-T. GRCh37 (hg19) VCF-style: chr19-12758403-G-T.
Other names: c.2671C>A, p.Leu891Met (NM_001173498.2); short protein forms L892M, L891M.
Identifiers: ClinVar variation 2142807 (VCV002142807.4), dbSNP rs368951229, ClinGen allele CA9225948.

ClinVar aggregate classification (germline): Uncertain significance. Review status: criteria provided, multiple submitters, no conflicts (2 of 4 stars). 2 submissions from 2 submitters: Uncertain significance (2). Last evaluated 2021-12-14.

Conditions:
Deficiency of alpha-mannosidase (MANSA). Also called: LYSOSOMAL ALPHA-D-MANNOSIDASE DEFICIENCY; Alpha-Mannosidosis; Mannosidosis, alpha-, types I and II. Identifiers: Orphanet 61, MedGen C0024748, MONDO:0009561, OMIM 248500.

Allele frequency attached by ClinVar (database versions not stated): ExAC 0.00001; gnomAD 0.00002; TOPMed 0.00005; ESP Exome Variant Server 0.00008; 1000 Genomes Project 0.00020; 1000 Genomes Project 30x 0.00031.
gnomAD v4.1: 8 of 1,613,266 alleles (0.0005%); highest among the groups gnomAD compares: African/African-American, 0.0093%; no homozygotes.

Submissions (2):

Revvity Omics, Revvity
Classification: Uncertain significance for Deficiency of alpha-mannosidase. Last evaluated: 2021-12-14. Review status: criteria provided, single submitter. Criteria: ACMG Guidelines, 2015. Collection method: clinical testing. Allele origin: germline.

Labcorp Genetics (formerly Invitae), Labcorp
Classification: Uncertain significance for Deficiency of alpha-mannosidase. Last evaluated: 2021-08-31. Review status: criteria provided, single submitter. Criteria: Invitae Variant Classification Sherloc (09022015). Collection method: clinical testing. Allele origin: germline.
Comment: This sequence change replaces leucine with methionine at codon 892 of the MAN2B1 protein (p.Leu892Met). The leucine residue is highly conserved and there is a small physicochemical difference between leucine and methionine. This variant is present in population databases (rs368951229, ExAC 0.01%). This variant has not been reported in the literature in individuals affected with MAN2B1-related conditions. Algorithms developed to predict the effect of missense changes on protein structure and function are either unavailable or do not agree on the potential impact of this missense change (SIFT: "Deleterious"; PolyPhen-2: "Possibly Damaging"; Align-GVGD: "Class C0"). In summary, the available evidence is currently insufficient to determine the role of this variant in disease. Therefore, it has been classified as a Variant of Uncertain Significance.